The following is an entry in ClinVar:

NM_001035.3(RYR2):c.10495-16AT[2]

Gene: RYR2 (ryanodine receptor 2; plus strand). Cytogenetic location: 1q43.
Variant type: Microsatellite.
Coding change: c.10495-16AT[2] on transcript NM_001035.3 (MANE Select); two copies in a row of the 2-base unit AT starting at c.10495-16; the reference has three copies in a row; one copy, 2 bases deleted.
Molecular consequence: intron variant.
Genome position (GRCh38, 1-based): chr1:237,718,450-237,718,451, AT deleted; deleting any 2 consecutive bases within chr1:237,718,446-237,718,451 gives the same sequence; the position shown is the placement nearest the transcript's 3' end. VCF-style (leftmost placement, unchanged base first): chr1-237718445-CAT-C. GRCh37 (hg19) VCF-style: chr1-237881745-CAT-C.
Identifiers: ClinVar variation 1617000 (VCV001617000.10), dbSNP rs764166022, ClinGen allele CA084352.

ClinVar aggregate classification (germline): Conflicting classifications of pathogenicity. Review status: criteria provided, conflicting classifications (1 of 4 stars). 2 submissions from 2 submitters: Uncertain significance (1); Likely benign (1). Last evaluated 2025-12-01.

Conditions:
Catecholaminergic polymorphic ventricular tachycardia (CVPT). Also called: Catecholamine-induced polymorphic ventricular tachycardia. Identifiers: Orphanet 3286, MedGen C5574922, MONDO:0017990.
Catecholaminergic polymorphic ventricular tachycardia 1. Also called: VENTRICULAR TACHYCARDIA, CATECHOLAMINERGIC POLYMORPHIC, 1, WITH OR WITHOUT ATRIAL DYSFUNCTION AND/OR DILATED CARDIOMYOPATHY; VENTRICULAR TACHYCARDIA, STRESS-INDUCED POLYMORPHIC 1; RYR2-Related Catecholaminergic Polymorphic Ventricular Tachycardia. Identifiers: Orphanet 3286, MedGen C1631597, MONDO:0011484, OMIM 604772.

Submissions (2):

Labcorp Genetics (formerly Invitae), Labcorp
Classification: Likely benign for Catecholaminergic polymorphic ventricular tachycardia 1. Last evaluated: 2025-12-01. Review status: criteria provided, single submitter. Criteria: Invitae Variant Classification Sherloc (09022015). Collection method: clinical testing. Allele origin: germline.

All of Us Research Program, National Institutes of Health
Classification: Uncertain significance for Catecholaminergic polymorphic ventricular tachycardia. Last evaluated: 2023-06-26. Review status: criteria provided, single submitter. Criteria: ACMG Guidelines, 2015. Collection method: clinical testing. Allele origin: germline. Inheritance: Autosomal dominant inheritance. Observed: 1 variant allele, 1 heterozygote.
Comment: This variant causes deletion of two nucleotides in intron 72 of the RYR2 gene. To our knowledge, functional studies have not been reported for this variant. This variant has not been reported in individuals affected with RYR2-related disorders in the literature. This variant has been identified in 1/241364 chromosomes in the general population by the Genome Aggregation Database (gnomAD). The available evidence is insufficient to determine the role of this variant in disease conclusively. Therefore, this variant is classified as a Variant of Uncertain Significance.

This study involves interpretation of variants in research participants for the purpose of population health screening. Participant phenotype was not available at the time of variant classification. Additional details can be found in publication PMID: 35346344, PMCID: PMC8962531